The following is an entry in ClinVar:

NM_001098.3(ACO2):c.605G>C (p.Gly202Ala)

Gene: ACO2 (aconitase 2; plus strand). Cytogenetic location: 22q13.2.
Variant type: single nucleotide variant.
Coding change: c.605G>C on transcript NM_001098.3 (MANE Select); coding-DNA position 605, G replaced by C.
Protein change: p.Gly202Ala; replaces glycine 202 with alanine.
Molecular consequence: missense variant.
Genome position (GRCh38, 1-based): chr22:41,515,456, G>C. VCF-style: chr22-41515456-G-C. GRCh37 (hg19) VCF-style: chr22-41911460-G-C.
Other names: short protein forms G202A.
Identifiers: ClinVar variation 3373627 (VCV003373627.1).

ClinVar aggregate classification (germline): Uncertain significance (1 of 4 stars; one submission).

Submission:

GeneDx
Classification: Uncertain significance. Last evaluated: 2024-03-05. Review status: criteria provided, single submitter. Criteria: GeneDx Variant Classification Process June 2021. Collection method: clinical testing. Allele origin: germline. Affected: yes.
Comment: Not observed at significant frequency in large population cohorts (gnomAD); In silico analysis supports that this missense variant has a deleterious effect on protein structure/function; Has not been previously published as pathogenic or benign to our knowledge